The following is an entry in ClinVar:

ClinVar aggregate classification (germline): Pathogenic (1 of 4 stars; one submission).

Conditions:
Deafness-lymphedema-leukemia syndrome. Also called: Lymphedema, primary, with myelodysplasia; Emberger syndrome. Identifiers: Orphanet 3226, MedGen C3279664, MONDO:0013540, OMIM 614038.
Monocytopenia with susceptibility to infections. Also called: MONOCYTOPENIA AND MYCOBACTERIAL INFECTION SYNDROME; MONOCYTOPENIA WITH SUSCEPTIBILITY TO MYCOBACTERIAL, FUNGAL, AND PAPILLOMAVIRUS INFECTIONS AND MYELODYSPLASIA; COMBINED IMMUNODEFICIENCY WITH SUSCEPTIBILITY TO MYCOBACTERIAL, VIRAL, AND FUNGAL INFECTIONS; Dendritic cell, monocyte, B lymphocyte, and natural killer lymphocyte deficiency; IMMUNODEFICIENCY 21; GATA2 DEFICIENCY. Identifiers: Orphanet 228423, MedGen C3280030, MONDO:0013607, OMIM 614172.

Submission:

Labcorp Genetics (formerly Invitae), Labcorp
Classification: Pathogenic for Monocytopenia with susceptibility to infections; Deafness-lymphedema-leukemia syndrome. Last evaluated: 2022-07-27. Review status: criteria provided, single submitter. Criteria: Invitae Variant Classification Sherloc (09022015). Collection method: clinical testing. Allele origin: germline.
Comment: This variant is not present in population databases (gnomAD no frequency). This sequence change creates a premature translational stop signal (p.Lys406Argfs*71) in the GATA2 gene. While this is not anticipated to result in nonsense mediated decay, it is expected to disrupt the last 75 amino acid(s) of the GATA2 protein. This variant has not been reported in the literature in individuals affected with GATA2-related conditions. This variant disrupts a region of the GATA2 protein in which other variant(s) (p.S447R) have been determined to be pathogenic (PMID: 25619630, 26702063, 28259234, 28485484). This suggests that this is a clinically significant region of the protein, and that variants that disrupt it are likely to be disease-causing. For these reasons, this variant has been classified as Pathogenic.

Literature cited by the submitters: PubMed 25619630; PubMed 26702063; PubMed 28259234; PubMed 28485484.

NM_032638.5(GATA2):c.1217del (p.Lys406fs)

Gene: GATA2 (GATA binding protein 2; minus strand). Cytogenetic location: 3q21.3.
Variant type: Deletion.
Coding change: c.1217del on transcript NM_032638.5 (MANE Select); coding-DNA position 1217, one base deleted (A; older notation c.1217delA).
Protein change: p.Lys406fs; shifts the reading frame from lysine 406.
Molecular consequence: frameshift variant.
Genome position (GRCh38, 1-based): chr3:128,481,245, T deleted on the plus strand (A on the coding strand, the reverse complement: GATA2 is on the minus strand); the first of 2 consecutive T bases (chr3:128,481,245-128,481,246); deleting either gives the same sequence. VCF-style (leftmost placement, unchanged base first): chr3-128481244-CT-C. GRCh37 (hg19) VCF-style: chr3-128200087-CT-C.
Other names: c.1217del, p.Lys406fs (NM_001145661.2); c.1175del, p.Lys392fs (NM_001145662.1); short protein forms K392fs, K406fs.
Identifiers: ClinVar variation 2019898 (VCV002019898.4), dbSNP rs2472919181, ClinGen allele CA2580068696.